The following is an entry in ClinVar:

ClinVar aggregate classification (germline): Likely pathogenic (1 of 4 stars; one submission).

Allele frequency attached by ClinVar (database versions not stated): gnomAD exomes below 0.00001.
gnomAD v4.1: 2 of 1,613,254 alleles (0.00012%); highest among the groups gnomAD compares: Non-Finnish European, 0.00017%; no homozygotes.

Submission:

Labcorp Genetics (formerly Invitae), Labcorp
Classification: Likely pathogenic. Last evaluated: 2023-06-09. Review status: criteria provided, single submitter. Criteria: Invitae Variant Classification Sherloc (09022015). Collection method: clinical testing. Allele origin: germline.
Comment: Algorithms developed to predict the effect of sequence changes on RNA splicing suggest that this variant may disrupt the consensus splice site. This variant has not been reported in the literature in individuals affected with SLC25A3-related conditions. This variant is not present in population databases (gnomAD no frequency). This sequence change affects an acceptor splice site in intron 2 of the SLC25A3 gene. It is expected to disrupt RNA splicing. Variants that disrupt the donor or acceptor splice site typically lead to a loss of protein function (PMID: 16199547), and loss-of-function variants in SLC25A3 are known to be pathogenic (PMID: 17273968, 21763135). In summary, the currently available evidence indicates that the variant is pathogenic, but additional data are needed to prove that conclusively. Therefore, this variant has been classified as Likely Pathogenic.

Literature cited by the submitters: PubMed 16199547; PubMed 17273968; PubMed 21763135.

NM_005888.4(SLC25A3):c.158-1G>C

Gene: SLC25A3 (solute carrier family 25 member 3; plus strand). Cytogenetic location: 12q23.1.
Variant type: single nucleotide variant.
Coding change: c.158-1G>C on transcript NM_005888.4 (MANE Plus Clinical); the canonical splice acceptor site of the intron before coding-DNA position 158, G replaced by C.
Molecular consequence: splice acceptor variant. On other transcripts: intron variant (2).
Genome position (GRCh38, 1-based): chr12:98,595,432, G>C. VCF-style: chr12-98595432-G-C. GRCh37 (hg19) VCF-style: chr12-98989210-G-C.
Other names: c.158-295G>C (NM_213611.3, NM_002635.4).
Identifiers: ClinVar variation 2825261 (VCV002825261.3), dbSNP rs2548526526, ClinGen allele CA386163702.
Genomic context (GRCh38, chr12:98,595,432, plus strand): 5'-CAGTGGCCTTAGTCATCTCTGAAGAAATACTTACTTGATTTTTTTTTTTCCAATCAAACA[G>C]AGCAGTATAGCTGTGACTATGGATCTGGCAGATTCTTTATCCTTTGTGGACTTGGAGGAA-3'